The following is an entry in ClinVar:

NM_130468.4(CHST14):c.986G>T (p.Arg329Leu)

Gene: CHST14 (carbohydrate sulfotransferase 14; plus strand). Cytogenetic location: 15q15.1.
Variant type: single nucleotide variant.
Coding change: c.986G>T on transcript NM_130468.4 (MANE Select); coding-DNA position 986, G replaced by T.
Protein change: p.Arg329Leu; replaces arginine 329 with leucine.
Molecular consequence: missense variant.
Genome position (GRCh38, 1-based): chr15:40,472,199, G>T. VCF-style: chr15-40472199-G-T. GRCh37 (hg19) VCF-style: chr15-40764398-G-T.
Other names: short protein forms R329L.
Identifiers: ClinVar variation 3492643 (VCV003492643.1).
Genomic context (GRCh38, chr15:40,472,199, plus strand): 5'-TGCTGGAGTGGGTACGGGCACCACCTCACGTCCGATTTCCAGCTCGCCAGGCCTGGTACC[G>T]GCCAGCCAGCCCCGAAAGCCTGCATTACCACTTGTGCAGTGCCCCCCGGGCCCTGCTGCA-3'
Protein context (NP_569735.1, residues 319-339): VRFPARQAWY[Arg329Leu]PASPESLHYH

ClinVar aggregate classification (germline): Uncertain significance (1 of 4 stars; one submission).

Conditions:
Cardiovascular phenotype. Identifiers: MedGen CN230736.

gnomAD v4.1: 3 of 1,613,968 alleles (0.00019%); highest among the groups gnomAD compares: Middle Eastern, 0.016%; no homozygotes.

Submission:

Ambry Genetics
Classification: Uncertain significance for Cardiovascular phenotype. Last evaluated: 2024-10-15. Review status: criteria provided, single submitter. Criteria: Ambry Variant Classification Scheme 2023. Collection method: clinical testing. Allele origin: germline.
Comment: The p.R329L variant (also known as c.986G>T), located in coding exon 1 of the CHST14 gene, results from a G to T substitution at nucleotide position 986. The arginine at codon 329 is replaced by leucine, an amino acid with dissimilar properties. This amino acid position is conserved. In addition, this alteration is predicted to be tolerated by in silico analysis. Based on the available evidence, the clinical significance of this variant remains unclear.